The following is an entry in ClinVar:

ClinVar aggregate classification (germline): Conflicting classifications of pathogenicity. Review status: criteria provided, conflicting classifications (1 of 4 stars). 7 submissions from 7 submitters: Uncertain significance (1); Benign (1); Likely benign (4). 1 of the submissions does not count toward it. Last evaluated 2026-01-28.

Conditions:
Muscular dystrophy, limb-girdle, autosomal recessive 23. Identifiers: Orphanet 565837, MedGen C4748327, MONDO:0029136, OMIM 618138.
Congenital muscular dystrophy due to partial LAMA2 deficiency. Identifiers: MedGen C1842898.
Merosin deficient congenital muscular dystrophy (MDC1A). Also called: Congenital Muscular Dystrophy Type 1A (MDC1A); Congenital merosin-deficient muscular dystrophy 1A. Identifiers: Orphanet 258, MedGen C1263858, MONDO:0011925, OMIM 607855.
LAMA2-related muscular dystrophy (LAMA2-RD). Also called: Laminin alpha 2-related dystrophy. Identifiers: MedGen C5679788, MONDO:0100228.

Allele frequency attached by ClinVar (database versions not stated): gnomAD 0.00039 and 0.00054; TOPMed 0.00062; 1000 Genomes Project 30x 0.00156; 1000 Genomes Project 0.00160.
gnomAD v4.1: 595 of 1,608,450 alleles (0.037%); highest among the groups gnomAD compares: East Asian, 0.99%; 3 homozygotes.

Submissions (8):

Labcorp Genetics (formerly Invitae), Labcorp
Classification: Benign for LAMA2-related muscular dystrophy. Last evaluated: 2026-01-28. Review status: criteria provided, single submitter. Criteria: Invitae Variant Classification Sherloc (09022015). Collection method: clinical testing. Allele origin: germline.

Mayo Clinic Laboratories, Mayo Clinic
Classification: Likely benign. Last evaluated: 2025-04-22. Review status: criteria provided, single submitter. Criteria: ACMG Guidelines, 2015. Collection method: clinical testing. Allele origin: germline. Observed: 5 variant alleles.
Comment: BS1, BS2, BP4_moderate

Blueprint Genetics
Classification: Likely benign. Last evaluated: 2024-10-08. Review status: criteria provided, single submitter. Criteria: ACMG Guidelines, 2015. Collection method: clinical testing. Allele origin: germline.

Knight Diagnostic Laboratories, Oregon Health and Sciences University
Classification: Likely benign for Muscular dystrophy, limb-girdle, autosomal recessive 23. Last evaluated: 2018-06-22. Review status: criteria provided, single submitter. Criteria: ACMG Guidelines, 2015. Collection method: clinical testing. Allele origin: germline. Observed: 1 variant allele.

Illumina Laboratory Services, Illumina
Classification: Uncertain significance for Congenital muscular dystrophy due to partial LAMA2 deficiency. Last evaluated: 2017-04-27. Review status: criteria provided, single submitter. Criteria: ICSL Variant Classification Criteria 13 December 2019. Collection method: clinical testing. Allele origin: germline.
Comment: This variant was observed as part of a predisposition screen in an ostensibly healthy population. A literature search was performed for the gene, cDNA change, and amino acid change (where applicable). Publications were found based on this search. However, the evidence from the literature, in combination with allele frequency data from public databases where available, was not sufficient to rule this variant in or out of causing disease. Therefore, this variant is classified as a variant of unknown significance.

Genetic Services Laboratory, University of Chicago
Classification: Likely benign. Last evaluated: 2015-10-19. Review status: criteria provided, single submitter. Criteria: ACMG Guidelines, 2015. Collection method: clinical testing. Allele origin: germline. Affected: no.

Counsyl
Classification: Uncertain significance for Merosin deficient congenital muscular dystrophy. Last evaluated: 2017-01-17. Review status: no assertion criteria provided. Collection method: clinical testing. Allele origin: unknown. Not counted in ClinVar's aggregate classification.

Dr. Peter K. Rogan Lab, Western University
No classification provided (evidence only). Condition: Gastric cancer. Review status: no classification provided. Collection method: in vitro. Allele origin: not applicable. Functional consequence: retained intron. Not counted in ClinVar's aggregate classification.

Literature cited by the submitters: PubMed 27353517 (cited by 3 submitters).

NM_000426.4(LAMA2):c.2217G>T (p.Trp739Cys)

Gene: LAMA2 (laminin subunit alpha 2; plus strand). Cytogenetic location: 6q22.33.
Variant type: single nucleotide variant.
Coding change: c.2217G>T on transcript NM_000426.4 (MANE Select); coding-DNA position 2217, G replaced by T.
Protein change: p.Trp739Cys; replaces tryptophan 739 with cysteine.
Molecular consequence: missense variant.
Genome position (GRCh38, 1-based): chr6:129,267,114, G>T. VCF-style: chr6-129267114-G-T. GRCh37 (hg19) VCF-style: chr6-129588259-G-T.
Other names: c.2217G>T, p.Trp739Cys (NM_001079823.2); short protein forms W739C.
Identifiers: ClinVar variation 435712 (VCV000435712.31), dbSNP rs192317605, ClinGen allele CA3992869.